The following is an entry in ClinVar:

ClinVar aggregate classification (germline): Benign/Likely benign. Review status: criteria provided, multiple submitters, no conflicts (2 of 4 stars). 11 submissions from 11 submitters: Benign (6); Likely benign (4). 1 of the submissions does not count toward it. Last evaluated 2026-02-04.

Conditions:
G6PD deficiency. Also called: G6PD A-. Identifiers: MedGen C2939465, MONDO:0005775.
Anemia, nonspherocytic hemolytic, due to G6PD deficiency (CNSHA1). Also called: Class I glucose-6-phosphate dehydrogenase deficiency; ANEMIA, CONGENITAL, NONSPHEROCYTIC HEMOLYTIC, 1; Hemolytic anemia due to G6PD deficiency; Favism, susceptibility to. Identifiers: Orphanet 466026, MedGen C2720289, MONDO:0010480, OMIM 300908.

Allele frequency attached by ClinVar (database versions not stated): 1000 Genomes Project 30x 0.22164; TOPMed 0.17130.

Submissions (11):

Labcorp Genetics (formerly Invitae), Labcorp
Classification: Benign for Anemia, nonspherocytic hemolytic, due to G6PD deficiency. Last evaluated: 2026-02-04. Review status: criteria provided, single submitter. Criteria: Invitae Variant Classification Sherloc (09022015). Collection method: clinical testing. Allele origin: germline.

ARUP Laboratories, Molecular Genetics and Genomics, ARUP Laboratories
Classification: Benign. Last evaluated: 2025-07-31. Review status: criteria provided, single submitter. Criteria: ARUP Molecular Germline Variant Investigation Process 2024. Collection method: clinical testing. Allele origin: germline.

Women's Health and Genetics/Laboratory Corporation of America, LabCorp
Classification: Likely benign. Last evaluated: 2025-05-28. Review status: criteria provided, single submitter. Criteria: LabCorp Variant Classification Summary - May 2015. Collection method: clinical testing. Allele origin: germline.

Blueprint Genetics
Classification: Likely benign. Last evaluated: 2024-11-28. Review status: criteria provided, single submitter. Criteria: ACMG Guidelines, 2015. Collection method: clinical testing. Allele origin: germline.

Dunham Lab, University of Washington
Classification: Benign for Anemia, nonspherocytic hemolytic, due to G6PD deficiency. Last evaluated: 2024-09-01. Review status: criteria provided, single submitter. Criteria: ACMG Guidelines, 2015. Collection method: curation. Allele origin: unknown. Affected: no.
Comment: Over 16% frequency in gnomAD (BA1). Reported in hemizygotes without G6PD deficiency (BS2). Numerous studies report G6PD activity; together the weighted average activity is over 60% of normal (BS3). Additional interpretation on ClinVar support benign (BP6).

GeneDx
Classification: Benign. Last evaluated: 2018-07-09. Review status: criteria provided, single submitter. Criteria: GeneDx Variant Classification Process June 2021. Collection method: clinical testing. Allele origin: germline. Affected: yes.
Comment: This variant is associated with the following publications: (PMID: 23389243, 27884173, 30045279, 30512159)

Illumina Laboratory Services, Illumina
Classification: Likely benign for Glucose 6 phosphate dehydrogenase deficiency. Last evaluated: 2018-03-06. Review status: criteria provided, single submitter. Criteria: ICSL Variant Classification Criteria 13 December 2019. Collection method: clinical testing. Allele origin: germline.
Comment: This variant was observed in the ICSL laboratory as part of a predisposition screen in an ostensibly healthy population. It had not been previously curated by ICSL or reported in the Human Gene Mutation Database (HGMD: prior to June 1st, 2018), and was therefore a candidate for classification through an automated scoring system. Utilizing variant allele frequency, disease prevalence and penetrance estimates, and inheritance mode, an automated score was calculated to assess if this variant is too frequent to cause the disease. Based on the score and internal cut-off values, a variant classified as likely benign is not then subjected to further curation. The score for this variant resulted in a classification of likely benign for this disease.

Laboratory for Molecular Medicine, Mass General Brigham Personalized Medicine
Classification: Benign. Last evaluated: 2016-03-28. Review status: criteria provided, single submitter. Criteria: LMM Criteria. Collection method: clinical testing. Allele origin: germline.
Comment: Variant identified in a genome or exome case(s) and assessed due to predicted null impact of the variant or pathogenic assertions in the literature or databases. Disclaimer: This variant has not undergone full assessment. The following are preliminary notes: Frequency, silent variant not near splice site

Eurofins Ntd Llc (ga)
Classification: Benign. Last evaluated: 2015-12-30. Review status: criteria provided, single submitter. Criteria: EGL Classification Definitions 2015. Collection method: clinical testing. Allele origin: germline. Observed: 257 variant alleles, 164 heterozygotes, 43 homozygotes, 50 hemizygotes.

Breakthrough Genomics
Classification: Likely benign. Review status: criteria provided, single submitter. Criteria: ACMG Guidelines, 2015. Collection method: not provided. Allele origin: germline. Inheritance: X-linked inheritance. Affected: yes.

OMIM
Classification: Pathogenic for G6PD RFLP. Last evaluated: 1969-02-01. Review status: no assertion criteria provided. Collection method: literature only. Allele origin: germline. Not counted in ClinVar's aggregate classification.

Literature cited by the submitters: PubMed 38645242 (cited by Dunham Lab, University of Washington); PubMed 22906837 (cited by Dunham Lab, University of Washington); PubMed 1978554 (cited by Dunham Lab, University of Washington); PubMed 35845714 (cited by Dunham Lab, University of Washington); PubMed 16513531 (cited by Dunham Lab, University of Washington); PubMed 4974311 (cited by OMIM).

NM_001360016.2(G6PD):c.1311= (p.Tyr437=)

Gene: G6PD (glucose-6-phosphate dehydrogenase; minus strand). Cytogenetic location: Xq28.
Variant type: single nucleotide variant.
Coding change: c.1311= on transcript NM_001360016.2 (MANE Select); coding-DNA position 1311, no change from the reference sequence.
Protein change: p.Tyr437=; no amino-acid change (tyrosine 437 retained).
Molecular consequence: no sequence alteration.
Genome position: GRCh38 VCF-style: chrX-154532439-A-A. GRCh37 (hg19) VCF-style: chrX-153760654-G-A.
Other names: G6PD, NT1311, C-T; c.1401=, p.Tyr467= (NM_000402.4); c.1311=, p.Tyr437= (NM_001042351.3); c.1401T>T (NM_000402.4).
Identifiers: ClinVar variation 10366 (VCV000010366.36), dbSNP rs2230037.